The following is an entry in ClinVar:

NM_173728.4(ARHGEF15):c.467G>A (p.Arg156Lys)

Gene: ARHGEF15 (Rho guanine nucleotide exchange factor 15; plus strand). Cytogenetic location: 17p13.1.
Variant type: single nucleotide variant.
Coding change: c.467G>A on transcript NM_173728.4 (MANE Select); coding-DNA position 467, G replaced by A.
Protein change: p.Arg156Lys; replaces arginine 156 with lysine.
Molecular consequence: missense variant.
Genome position (GRCh38, 1-based): chr17:8,312,506, G>A. VCF-style: chr17-8312506-G-A. GRCh37 (hg19) VCF-style: chr17-8215824-G-A.
Other names: c.467G>A, p.Arg156Lys (NM_025014.2); short protein forms R156K.
Identifiers: ClinVar variation 2787969 (VCV002787969.3), dbSNP rs2543927454, ClinGen allele CA398014688.

ClinVar aggregate classification (germline): Uncertain significance (1 of 4 stars; one submission).

Conditions:
Early-infantile DEE. Also called: Early infantile epileptic encephalopathy; Early infantile epileptic encephalopathy with suppression bursts; Ohtahara syndrome. Identifiers: Orphanet 1934, MedGen C0393706, MONDO:0800491.

Submission:

Labcorp Genetics (formerly Invitae), Labcorp
Classification: Uncertain significance for Early-infantile DEE. Last evaluated: 2023-07-03. Review status: criteria provided, single submitter. Criteria: Invitae Variant Classification Sherloc (09022015). Collection method: clinical testing. Allele origin: germline.
Comment: This sequence change replaces arginine, which is basic and polar, with lysine, which is basic and polar, at codon 156 of the ARHGEF15 protein (p.Arg156Lys). In summary, the available evidence is currently insufficient to determine the role of this variant in disease. Therefore, it has been classified as a Variant of Uncertain Significance. Algorithms developed to predict the effect of missense changes on protein structure and function output the following: SIFT: "Not Available"; PolyPhen-2: "Benign"; Align-GVGD: "Not Available". The lysine amino acid residue is found in multiple mammalian species, which suggests that this missense change does not adversely affect protein function. This variant has not been reported in the literature in individuals affected with ARHGEF15-related conditions. This variant is not present in population databases (gnomAD no frequency).